The following is an entry in ClinVar:

NM_006080.3(SEMA3A):c.246G>A (p.Leu82=)

Gene: SEMA3A (semaphorin 3A; minus strand). Cytogenetic location: 7q21.11.
Variant type: single nucleotide variant.
Coding change: c.246G>A on transcript NM_006080.3 (MANE Select); coding-DNA position 246, G replaced by A.
Protein change: p.Leu82=; no amino-acid change (leucine 82 retained).
Molecular consequence: synonymous variant.
Genome position (GRCh38, 1-based): chr7:84,134,818, C>T on the plus strand (G>A on the coding strand, the complement: SEMA3A is on the minus strand). VCF-style: chr7-84134818-C-T. GRCh37 (hg19) VCF-style: chr7-83764134-C-T.
Identifiers: ClinVar variation 4984260 (VCV004984260.1).

ClinVar aggregate classification (germline): Likely benign (1 of 4 stars; one submission).

Conditions:
SEMA3A-related disorder. Also called: SEMA3A-related condition.

gnomAD v4.1: 9 of 1,611,140 alleles (0.00056%); highest among the groups gnomAD compares: African/African-American, 0.012%; no homozygotes.

Submission:

PreventionGenetics, part of Exact Sciences
Classification: Likely benign for SEMA3A-related condition. Last evaluated: 2024-11-08. Review status: criteria provided, single submitter. Criteria: ACMG Guidelines, 2015. Collection method: clinical testing. Allele origin: germline.
Comment: This variant is classified as likely benign based on ACMG/AMP sequence variant interpretation guidelines (Richards et al. 2015 PMID: 25741868, with internal and published modifications).